The following is an entry in ClinVar:

NC_000009.11:g.(117046043_117047003)_(117074792_?)dup

Gene: COL27A1 (collagen type XXVII alpha 1 chain; plus strand). Cytogenetic location: 9q32.
Variant type: Duplication.
Identifiers: ClinVar variation 3251625 (VCV003251625.1).

ClinVar aggregate classification (germline): Likely benign (1 of 4 stars; one submission).

Submission:

Women's Health and Genetics/Laboratory Corporation of America, LabCorp
Classification: Likely benign. Last evaluated: 2024-04-01. Review status: criteria provided, single submitter. Criteria: LabCorp Variant Classification Summary - May 2015. Collection method: clinical testing. Allele origin: germline.
Comment: Variant summary: The variant involves the duplication of exons 41-61 in the COL27A1 gene. A presumed nomenclature of c.(3933+1_3934-1)_(*1817_?)dup has been designated for the purposes of this classification. The exact breakpoint at the 3' end of this variant is unknown, therefore this duplication may extend downstream of the annotated region of the gene. It is assumed to be a tandem duplication in direct orientation (PMIDs: 25640679, 30054569). As it duplicates the termination codon, its effect on the encoded protein is unknown. A structural variant (position: hg19 9:117046907-117104503; size: 57,596 bp) involving the duplication of exons 41-61 together with a large DNA segment extending downstream of the gene was found at a frequency of 0.00027 in 443317 control chromosomes, predominantly at a frequency of 0.039 within the Middle Eastern subpopulation in the gnomAD database (CNVs v4.0 dataset; zygosity not specified in this dataset). The high subpopulation frequency suggests that copy number gains affecting this region are benign. To our knowledge, no occurrence of c.(3933+1_3934-1)_(*1817_?)dup in individuals affected with Steel syndrome and no experimental evidence demonstrating its impact on protein function have been reported. ClinVar contains an entry for this variant (Variation ID: 2427080). Based on the evidence outlined above, duplication variants that include a large DNA segment downstream of the gene, were classified as likely benign.